The following is an entry in ClinVar:

ClinVar aggregate classification (germline): Uncertain significance (1 of 4 stars; one submission).

Submission:

Dasa
Classification: Uncertain significance. Last evaluated: 2024-10-31. Review status: criteria provided, single submitter. Criteria: DASA Assertion Criteria. Collection method: clinical testing. Allele origin: germline.
Comment: NM_014698.3(TMEM63A):c.951+1G>A affects a canonical splice site and is predicted to disrupt normal RNA splicing. This variant is absent from population databases. The currently available literature and clinical evidence are not sufficient to establish a definitive association between this variant and the reported condition. Therefore, this variant is classified as a variant of uncertain significance.

NM_014698.3(TMEM63A):c.951+1G>A

Gene: TMEM63A (transmembrane protein 63A; minus strand). Cytogenetic location: 1q42.12.
Variant type: single nucleotide variant.
Coding change: c.951+1G>A on transcript NM_014698.3 (MANE Select); the canonical splice donor site of the intron after coding-DNA position 951, G replaced by A.
Molecular consequence: splice donor variant.
Genome position (GRCh38, 1-based): chr1:225,862,454, C>T on the plus strand (G>A on the coding strand, the complement: TMEM63A is on the minus strand). VCF-style: chr1-225862454-C-T. GRCh37 (hg19) VCF-style: chr1-226050154-C-T.
Identifiers: ClinVar variation 4885192 (VCV004885192.2).